The following is an entry in ClinVar:

ClinVar aggregate classification (germline): Uncertain significance (1 of 4 stars; one submission).

Submission:

Ambry Genetics
Classification: Uncertain significance. Last evaluated: 2024-02-10. Review status: criteria provided, single submitter. Criteria: Ambry Variant Classification Scheme 2023. Collection method: clinical testing. Allele origin: germline.
Comment: The p.A1350V variant (also known as c.4049C>T), located in coding exon 16 of the POLQ gene, results from a C to T substitution at nucleotide position 4049. The alanine at codon 1350 is replaced by valine, an amino acid with similar properties. This amino acid position is conserved. In addition, this alteration is predicted to be tolerated by in silico analysis. Based on the available evidence, the clinical significance of this alteration remains unclear.

NM_199420.4(POLQ):c.4049C>T (p.Ala1350Val)

Gene: POLQ (DNA polymerase theta; minus strand). Cytogenetic location: 3q13.33.
Variant type: single nucleotide variant.
Coding change: c.4049C>T on transcript NM_199420.4 (MANE Select); coding-DNA position 4049, C replaced by T.
Protein change: p.Ala1350Val; replaces alanine 1350 with valine.
Molecular consequence: missense variant.
Genome position (GRCh38, 1-based): chr3:121,488,882, G>A on the plus strand (C>T on the coding strand, the complement: POLQ is on the minus strand). VCF-style: chr3-121488882-G-A. GRCh37 (hg19) VCF-style: chr3-121207729-G-A.
Other names: short protein forms A1350V.
Identifiers: ClinVar variation 3229977 (VCV003229977.1), dbSNP rs2546786455, ClinGen allele CA354096352.